The following is an entry in ClinVar:

ClinVar aggregate classification (germline): Pathogenic (1 of 4 stars; one submission).

Conditions:
Telangiectasia, hereditary hemorrhagic, type 2 (HHT2). Also called: ACVRL1-Related Hereditary Hemorrhagic Telangiectasia; Telangiectasia, hereditary hemorrhagic, type II. Identifiers: Orphanet 774, MedGen C1838163, MONDO:0010880, OMIM 600376. Disease mechanism: loss of function.

Submission:

Labcorp Genetics (formerly Invitae), Labcorp
Classification: Pathogenic for Telangiectasia, hereditary hemorrhagic, type 2. Last evaluated: 2020-11-06. Review status: criteria provided, single submitter. Criteria: Invitae Variant Classification Sherloc (09022015). Collection method: clinical testing. Allele origin: germline.
Comment: This sequence change creates a premature translational stop signal (p.Glu383*) in the ACVRL1 gene. It is expected to result in an absent or disrupted protein product. This variant is not present in population databases (ExAC no frequency). This variant has not been reported in the literature in individuals with ACVRL1-related disease. ClinVar contains an entry for this variant (Variation ID: 533347). Loss-of-function variants in ACVRL1 are known to be pathogenic (PMID: 15879500). For these reasons, this variant has been classified as Pathogenic.

Literature cited by the submitters: PubMed 15879500.

NM_000020.3(ACVRL1):c.1147G>T (p.Glu383Ter)

Gene: ACVRL1 (activin A receptor like type 1; plus strand). Cytogenetic location: 12q13.13.
Variant type: single nucleotide variant.
Coding change: c.1147G>T on transcript NM_000020.3 (MANE Select); coding-DNA position 1147, G replaced by T.
Protein change: p.Glu383Ter; replaces glutamic acid 383 with a stop codon.
Molecular consequence: nonsense.
Genome position (GRCh38, 1-based): chr12:51,916,134, G>T. VCF-style: chr12-51916134-G-T. GRCh37 (hg19) VCF-style: chr12-52309918-G-T.
Other names: c.1147G>T, p.Glu383Ter (NM_001077401.2); short protein forms E383*.
Identifiers: ClinVar variation 533347 (VCV000533347.8), dbSNP rs148057374, ClinGen allele CA384902589.